The following is an entry in ClinVar:

NM_000782.5(CYP24A1):c.233G>T (p.Gly78Val)

Gene: CYP24A1 (cytochrome P450 family 24 subfamily A member 1; minus strand). Cytogenetic location: 20q13.2.
Variant type: single nucleotide variant.
Coding change: c.233G>T on transcript NM_000782.5 (MANE Select); coding-DNA position 233, G replaced by T.
Protein change: p.Gly78Val; replaces glycine 78 with valine.
Molecular consequence: missense variant.
Genome position (GRCh38, 1-based): chr20:54,173,347, C>A on the plus strand (G>T on the coding strand, the complement: CYP24A1 is on the minus strand). VCF-style: chr20-54173347-C-A. GRCh37 (hg19) VCF-style: chr20-52789886-C-A.
Other names: c.233G>T, p.Gly78Val (NM_001128915.2, NM_001424340.1, NM_001424341.1 and 2 more transcripts); short protein forms G78V.
Identifiers: ClinVar variation 3623362 (VCV003623362.3).

ClinVar aggregate classification (germline): Uncertain significance. Review status: criteria provided, multiple submitters, no conflicts (2 of 4 stars). 2 submissions from 2 submitters: Uncertain significance (2). Last evaluated 2025-01-21.

gnomAD v4.1: 22 of 1,607,396 alleles (0.0014%); highest among the groups gnomAD compares: Non-Finnish European, 0.0015%; no homozygotes.

Submissions (2):

Labcorp Genetics (formerly Invitae), Labcorp
Classification: Uncertain significance. Last evaluated: 2025-01-21. Review status: criteria provided, single submitter. Criteria: Invitae Variant Classification Sherloc (09022015). Collection method: clinical testing. Allele origin: germline.
Comment: This sequence change replaces glycine, which is neutral and non-polar, with valine, which is neutral and non-polar, at codon 78 of the CYP24A1 protein (p.Gly78Val). This variant is present in population databases (rs755808640, gnomAD 0.004%). This variant has not been reported in the literature in individuals affected with CYP24A1-related conditions. Invitae Evidence Modeling of protein sequence and biophysical properties (such as structural, functional, and spatial information, amino acid conservation, physicochemical variation, residue mobility, and thermodynamic stability) indicates that this missense variant is expected to disrupt CYP24A1 protein function with a positive predictive value of 95%. In summary, the available evidence is currently insufficient to determine the role of this variant in disease. Therefore, it has been classified as a Variant of Uncertain Significance.

Blueprint Genetics
Classification: Uncertain significance. Last evaluated: 2024-03-12. Review status: criteria provided, single submitter. Criteria: ACMG Guidelines, 2015. Collection method: clinical testing. Allele origin: germline.